The following is an entry in ClinVar:

ClinVar aggregate classification (germline): Uncertain significance (1 of 4 stars; one submission).

Submission:

GeneDx
Classification: Uncertain significance. Last evaluated: 2024-06-30. Review status: criteria provided, single submitter. Criteria: GeneDx Variant Classification Process June 2021. Collection method: clinical testing. Allele origin: germline. Affected: yes.
Comment: Not observed at significant frequency in large population cohorts (gnomAD); Canonical splice site variant in a gene for which loss-of-function is not an established mechanism of disease; Has not been previously published as pathogenic or benign to our knowledge

NM_001127173.3(CADM3):c.382+1G>A

Gene: CADM3 (cell adhesion molecule 3; plus strand). Cytogenetic location: 1q23.2.
Variant type: single nucleotide variant.
Coding change: c.382+1G>A on transcript NM_001127173.3 (MANE Select); the canonical splice donor site of the intron after coding-DNA position 382, G replaced by A.
Molecular consequence: splice donor variant.
Genome position (GRCh38, 1-based): chr1:159,192,731, G>A. VCF-style: chr1-159192731-G-A. GRCh37 (hg19) VCF-style: chr1-159162521-G-A.
Other names: c.484+1G>A (NM_021189.5); c.382+1G>A (NM_001346510.2).
Identifiers: ClinVar variation 3393609 (VCV003393609.1).